The following is an entry in ClinVar:

NM_002519.3(NPAT):c.3770G>T (p.Ser1257Ile)

Gene: NPAT (nuclear protein, coactivator of histone transcription; minus strand). Cytogenetic location: 11q22.3.
Variant type: single nucleotide variant.
Coding change: c.3770G>T on transcript NM_002519.3 (MANE Select); coding-DNA position 3770, G replaced by T.
Protein change: p.Ser1257Ile; replaces serine 1257 with isoleucine.
Molecular consequence: missense variant.
Genome position (GRCh38, 1-based): chr11:108,161,316, C>A on the plus strand (G>T on the coding strand, the complement: NPAT is on the minus strand). VCF-style: chr11-108161316-C-A. GRCh37 (hg19) VCF-style: chr11-108032043-C-A.
Other names: c.3791G>T, p.Ser1264Ile (NM_001321307.1); short protein forms S1264I, S1257I.
Identifiers: ClinVar variation 1734766 (VCV001734766.2), dbSNP rs754298620, ClinGen allele CA6263525.

ClinVar aggregate classification (germline): Uncertain significance (1 of 4 stars; one submission).

Allele frequency attached by ClinVar (database versions not stated): gnomAD exomes below 0.00001; ExAC 0.00001.
gnomAD v4.1: 1 of 1,614,226 alleles (0.000062%); highest among the groups gnomAD compares: Admixed American, 0.0017%; no homozygotes.

Submission:

Ambry Genetics
Classification: Uncertain significance. Last evaluated: 2021-07-23. Review status: criteria provided, single submitter. Criteria: Ambry Variant Classification Scheme 2023. Collection method: clinical testing. Allele origin: germline.
Comment: The p.S1257I variant (also known as c.3770G>T), located in coding exon 17 of the NPAT gene, results from a G to T substitution at nucleotide position 3770. The serine at codon 1257 is replaced by isoleucine, an amino acid with dissimilar properties. This amino acid position is conserved. In addition, this alteration is predicted to be tolerated by in silico analysis. Since supporting evidence is limited at this time, the clinical significance of this alteration remains unclear.